The following is an entry in ClinVar:

ClinVar aggregate classification (germline): Uncertain significance (1 of 4 stars; one submission).

Allele frequency attached by ClinVar (database versions not stated): ExAC 0.00002.
gnomAD v4.1: 1 of 1,598,238 alleles (0.000063%); highest among the groups gnomAD compares: Non-Finnish European, 0.000085%; no homozygotes.

Submission:

GeneDx
Classification: Uncertain significance. Last evaluated: 2026-02-13. Review status: criteria provided, single submitter. Criteria: GeneDx Variant Classification Process June 2021. Collection method: clinical testing. Allele origin: germline.
Comment: In silico analysis suggests that this missense variant does not alter protein structure/function; Has not been previously published as pathogenic or benign to our knowledge

NM_001371727.1(GABRB2):c.68G>A (p.Cys23Tyr)

Gene: GABRB2 (gamma-aminobutyric acid type A receptor subunit beta2; minus strand). Cytogenetic location: 5q34.
Variant type: single nucleotide variant.
Coding change: c.68G>A on transcript NM_001371727.1 (MANE Select); coding-DNA position 68, G replaced by A.
Protein change: p.Cys23Tyr; replaces cysteine 23 with tyrosine.
Molecular consequence: missense variant.
Genome position (GRCh38, 1-based): chr5:161,546,576, C>T on the plus strand (G>A on the coding strand, the complement: GABRB2 is on the minus strand). VCF-style: chr5-161546576-C-T. GRCh37 (hg19) VCF-style: chr5-160973582-C-T.
Other names: c.68G>A, p.Cys23Tyr (NM_000813.3, NM_021911.3); short protein forms C23Y.
Identifiers: ClinVar variation 2503380 (VCV002503380.2), dbSNP rs748466575, ClinGen allele CA3543690.